The following is an entry in ClinVar:

ClinVar aggregate classification (germline): Pathogenic (1 of 4 stars; one submission).

Conditions:
Multiple congenital anomalies-hypotonia-seizures syndrome 1 (MCAHS1). Also called: PIGN-CDG; Congenital disorder of glycosylation due to PIGN deficiency; GLYCOSYLPHOSPHATIDYLINOSITOL BIOSYNTHESIS DEFECT 3. Identifiers: Orphanet 280633, MedGen C3279775, MONDO:0013563, OMIM 614080.

Submission:

Labcorp Genetics (formerly Invitae), Labcorp
Classification: Pathogenic for Multiple congenital anomalies-hypotonia-seizures syndrome 1. Last evaluated: 2023-03-04. Review status: criteria provided, single submitter. Criteria: Invitae Variant Classification Sherloc (09022015). Collection method: clinical testing. Allele origin: germline.
Comment: This variant has not been reported in the literature in individuals affected with PIGN-related conditions. This variant is not present in population databases (gnomAD no frequency). This sequence change creates a premature translational stop signal (p.Leu674Tyrfs*10) in the PIGN gene. It is expected to result in an absent or disrupted protein product. Loss-of-function variants in PIGN are known to be pathogenic (PMID: 24253414, 27038415). For these reasons, this variant has been classified as Pathogenic.

Literature cited by the submitters: PubMed 24253414; PubMed 27038415.

NM_176787.5(PIGN):c.2020del (p.Leu674fs)

Gene: PIGN (phosphatidylinositol glycan anchor biosynthesis class N; minus strand). Cytogenetic location: 18q21.33.
Variant type: Deletion.
Coding change: c.2020del on transcript NM_176787.5 (MANE Select); coding-DNA position 2020, one base deleted (C; older notation c.2020delC).
Protein change: p.Leu674fs; shifts the reading frame from leucine 674.
Molecular consequence: frameshift variant.
Genome position (GRCh38, 1-based): chr18:62,101,132, G deleted on the plus strand (C on the coding strand, the reverse complement: PIGN is on the minus strand). VCF-style (leftmost placement, unchanged base first): chr18-62101131-AG-A. GRCh37 (hg19) VCF-style: chr18-59768364-AG-A.
Other names: c.2020del, p.Leu674fs (NM_012327.6); short protein forms L674fs.
Identifiers: ClinVar variation 2843086 (VCV002843086.3), dbSNP rs2512815145, ClinGen allele CA2739276285.